The following is an entry in ClinVar:

NM_001457.4(FLNB):c.5706C>A (p.Ser1902Arg)

Gene: FLNB (filamin B; plus strand). Cytogenetic location: 3p14.3.
Variant type: single nucleotide variant.
Coding change: c.5706C>A on transcript NM_001457.4 (MANE Select); coding-DNA position 5706, C replaced by A.
Protein change: p.Ser1902Arg; replaces serine 1902 with arginine.
Molecular consequence: missense variant.
Genome position (GRCh38, 1-based): chr3:58,146,971, C>A. VCF-style: chr3-58146971-C-A. GRCh37 (hg19) VCF-style: chr3-58132698-C-A.
Other names: c.5799C>A, p.Ser1933Arg (NM_001164317.2); c.5673C>A, p.Ser1891Arg (NM_001164318.2); c.5634C>A, p.Ser1878Arg (NM_001164319.2); short protein forms S1878R, S1891R, S1902R, S1933R.
Identifiers: ClinVar variation 4890854 (VCV004890854.1).

ClinVar aggregate classification (germline): Likely pathogenic (1 of 4 stars; one submission).

Conditions:
Larsen syndrome (LRS). Also called: Larsen syndrome (FLNB-LS); Bilateral dislocation of the knees, pes cavus, cylindrically shaped fingers and characteristic facies. Identifiers: Orphanet 503, MedGen C0175778, MONDO:0007875, OMIM 150250. Disease mechanism: loss of function.

Submission:

Clinical Genetics Laboratory, Skane University Hospital Lund
Classification: Likely pathogenic for Larsen syndrome. Last evaluated: 2026-06-11. Review status: criteria provided, single submitter. Criteria: ACMG Guidelines, 2015. Collection method: clinical testing. Allele origin: germline. Inheritance: Autosomal dominant inheritance. Affected: yes.
Comment: FLNB (NM_001457.4) c.5706C>A, p.(Ser1902Arg) represents a nucleotide substitution in exon 34 of 46, resulting in the amino acid change indicated above, which is predicted to be deleterious to protein function. A functional study has demonstrated an effect on protein structure (PMID: 28652603). The variant has been reported as de novo in a patient in the literature; however, parentage was not confirmed in that study (PMID: 22190451). The variant segregates with related clinical features within the family. FLNB c.5706C>A has not been identified in the general population and has not previously been reported in ClinVar. The variant has been classified as likely pathogenic according to the following ACMG criteria: PS3_Supporting, PM2, PM6_Supporting, PP1_Moderate, and PP3.